The following is an entry in ClinVar:

NM_032242.4(PLXNA1):c.2261G>T (p.Arg754Leu)

Gene: PLXNA1 (plexin A1; plus strand). Cytogenetic location: 3q21.3.
Variant type: single nucleotide variant.
Coding change: c.2261G>T on transcript NM_032242.4 (MANE Select); coding-DNA position 2261, G replaced by T.
Protein change: p.Arg754Leu; replaces arginine 754 with leucine.
Molecular consequence: missense variant.
Genome position (GRCh38, 1-based): chr3:127,012,106, G>T. VCF-style: chr3-127012106-G-T. GRCh37 (hg19) VCF-style: chr3-126730949-G-T.
Other names: short protein forms R754L.
Identifiers: ClinVar variation 3348995 (VCV003348995.1).

ClinVar aggregate classification (germline): Uncertain significance (0 of 4 stars; one submission).

Conditions:
PLXNA1-related disorder. Also called: PLXNA1-related condition.

Submission:

PreventionGenetics, part of Exact Sciences
Classification: Uncertain significance for PLXNA1-related condition. Last evaluated: 2023-11-22. Review status: no assertion criteria provided. Collection method: clinical testing. Allele origin: germline.
Comment: The PLXNA1 c.2261G>T variant is predicted to result in the amino acid substitution p.Arg754Leu. To our knowledge, this variant has not been reported in the literature or in a large population database, indicating this variant is rare. At this time, the clinical significance of this variant is uncertain due to the absence of conclusive functional and genetic evidence.